The following is an entry in ClinVar:

NM_002296.4(LBR):c.1169G>A (p.Arg390His)

Gene: LBR (lamin B receptor; minus strand). Cytogenetic location: 1q42.12.
Variant type: single nucleotide variant.
Coding change: c.1169G>A on transcript NM_002296.4 (MANE Select); coding-DNA position 1169, G replaced by A.
Protein change: p.Arg390His; replaces arginine 390 with histidine.
Molecular consequence: missense variant.
Genome position (GRCh38, 1-based): chr1:225,411,356, C>T on the plus strand (G>A on the coding strand, the complement: LBR is on the minus strand). VCF-style: chr1-225411356-C-T. GRCh37 (hg19) VCF-style: chr1-225599058-C-T.
Other names: c.1169G>A, p.Arg390His (NM_194442.3); short protein forms R390H.
Identifiers: ClinVar variation 2891971 (VCV002891971.3), dbSNP rs752549085, ClinGen allele CA1417225.

ClinVar aggregate classification (germline): Uncertain significance (1 of 4 stars; one submission).

Allele frequency attached by ClinVar (database versions not stated): TOPMed below 0.00001; gnomAD exomes 0.00001; ExAC 0.00002; gnomAD 0.00003.
gnomAD v4.1: 18 of 1,613,042 alleles (0.0011%); highest among the groups gnomAD compares: Middle Eastern, 0.016%; no homozygotes.

Submission:

Labcorp Genetics (formerly Invitae), Labcorp
Classification: Uncertain significance. Last evaluated: 2023-02-11. Review status: criteria provided, single submitter. Criteria: Invitae Variant Classification Sherloc (09022015). Collection method: clinical testing. Allele origin: germline.
Comment: This variant is present in population databases (rs752549085, gnomAD 0.009%). This sequence change replaces arginine, which is basic and polar, with histidine, which is basic and polar, at codon 390 of the LBR protein (p.Arg390His). This variant has not been reported in the literature in individuals affected with LBR-related conditions. Advanced modeling of protein sequence and biophysical properties (such as structural, functional, and spatial information, amino acid conservation, physicochemical variation, residue mobility, and thermodynamic stability) has been performed at Invitae for this missense variant, however the output from this modeling did not meet the statistical confidence thresholds required to predict the impact of this variant on LBR protein function. In summary, the available evidence is currently insufficient to determine the role of this variant in disease. Therefore, it has been classified as a Variant of Uncertain Significance.